The following is an entry in ClinVar:

NM_004304.5(ALK):c.128C>T (p.Pro43Leu)

Gene: ALK (ALK receptor tyrosine kinase; minus strand). Cytogenetic location: 2p23.1.
Variant type: single nucleotide variant.
Coding change: c.128C>T on transcript NM_004304.5 (MANE Select); coding-DNA position 128, C replaced by T.
Protein change: p.Pro43Leu; replaces proline 43 with leucine.
Molecular consequence: missense variant.
Genome position (GRCh38, 1-based): chr2:29,920,532, G>A on the plus strand (C>T on the coding strand, the complement: ALK is on the minus strand). VCF-style: chr2-29920532-G-A. GRCh37 (hg19) VCF-style: chr2-30143398-G-A.
Other names: short protein forms P43L.
Identifiers: ClinVar variation 818814 (VCV000818814.16), dbSNP rs78378278, ClinGen allele CA45004784.

ClinVar aggregate classification (germline): Uncertain significance. Review status: criteria provided, multiple submitters, no conflicts (2 of 4 stars). 3 submissions from 3 submitters: Uncertain significance (2). 1 of the submissions does not count toward it. Last evaluated 2025-04-27.

Conditions:
ALK-related disorder. Also called: ALK-related condition.
Hereditary cancer-predisposing syndrome. Also called: Hereditary Cancer Syndrome; Neoplastic Syndromes, Hereditary; Hereditary neoplastic syndrome; Tumor predisposition. Identifiers: Orphanet 140162, MedGen C0027672, MeSH D009386, MONDO:0015356.
Neuroblastoma, susceptibility to, 3. Also called: ALK-Related Neuroblastic Tumor Susceptibility. Identifiers: Orphanet 635, MedGen C2751681, MONDO:0013083, OMIM 613014.

Allele frequency attached by ClinVar (database versions not stated): gnomAD exomes 0.00003.
gnomAD v4.1: 39 of 1,609,680 alleles (0.0024%); highest among the groups gnomAD compares: Non-Finnish European, 0.0031%; no homozygotes.

Submissions (3):

Labcorp Genetics (formerly Invitae), Labcorp
Classification: Uncertain significance for Neuroblastoma, susceptibility to, 3. Last evaluated: 2025-04-27. Review status: criteria provided, single submitter. Criteria: Invitae Variant Classification Sherloc (09022015). Collection method: clinical testing. Allele origin: germline.
Comment: This sequence change replaces proline, which is neutral and non-polar, with leucine, which is neutral and non-polar, at codon 43 of the ALK protein (p.Pro43Leu). This variant is not present in population databases (gnomAD no frequency). This variant has not been reported in the literature in individuals affected with ALK-related conditions. ClinVar contains an entry for this variant (Variation ID: 818814). An algorithm developed to predict the effect of missense changes on protein structure and function (PolyPhen-2) suggests that this variant is likely to be disruptive. In summary, the available evidence is currently insufficient to determine the role of this variant in disease. Therefore, it has been classified as a Variant of Uncertain Significance.

Ambry Genetics
Classification: Uncertain significance for Hereditary cancer-predisposing syndrome. Last evaluated: 2024-02-29. Review status: criteria provided, single submitter. Criteria: Ambry Variant Classification Scheme 2023. Collection method: clinical testing. Allele origin: germline.
Comment: The p.P43L variant (also known as c.128C>T), located in coding exon 1 of the ALK gene, results from a C to T substitution at nucleotide position 128. The proline at codon 43 is replaced by leucine, an amino acid with similar properties. This amino acid position is well conserved in available vertebrate species. In addition, this alteration is predicted to be deleterious by in silico analysis. Since supporting evidence is limited at this time, the clinical significance of this alteration remains unclear.

PreventionGenetics, part of Exact Sciences
Classification: Uncertain significance for ALK-related condition. Last evaluated: 2024-03-12. Review status: no assertion criteria provided. Collection method: clinical testing. Allele origin: germline. Not counted in ClinVar's aggregate classification.
Comment: The ALK c.128C>T variant is predicted to result in the amino acid substitution p.Pro43Leu. To our knowledge, this variant has not been reported in the literature or in a large population database, indicating this variant is rare. This variant has been classified as variant of uncertain significance in Clinvar. At this time, the clinical significance of this variant is uncertain due to the absence of conclusive functional and genetic evidence.